The following is an entry in ClinVar:

NM_001649.4(SHROOM2):c.390G>A (p.Ala130=)

Gene: SHROOM2 (shroom family member 2; plus strand). Cytogenetic location: Xp22.2.
Variant type: single nucleotide variant.
Coding change: c.390G>A on transcript NM_001649.4 (MANE Select); coding-DNA position 390, G replaced by A.
Protein change: p.Ala130=; no amino-acid change (alanine 130 retained).
Molecular consequence: synonymous variant.
Genome position (GRCh38, 1-based): chrX:9,891,049, G>A. VCF-style: chrX-9891049-G-A. GRCh37 (hg19) VCF-style: chrX-9859089-G-A.
Identifiers: ClinVar variation 2659953 (VCV002659953.24), dbSNP rs200350857, ClinGen allele CA10345171.

ClinVar aggregate classification (germline): Likely benign (1 of 4 stars; one submission).

Allele frequency attached by ClinVar (database versions not stated): TOPMed 0.00002; gnomAD 0.00003; gnomAD exomes 0.00003; ExAC 0.00004; 1000 Genomes Project 30x 0.00021; 1000 Genomes Project 0.00026.
gnomAD v4.1: 39 of 1,201,153 alleles (0.0032%); highest among the groups gnomAD compares: South Asian, 0.011%; no homozygotes.

Submission:

CeGaT Center for Human Genetics Tuebingen
Classification: Likely benign. Last evaluated: 2022-07-01. Review status: criteria provided, single submitter. Criteria: CeGaT Center For Human Genetics Tuebingen Variant Classification Criteria Version 2. Collection method: clinical testing. Allele origin: germline. Affected: yes. Observed: 1 variant allele.
Comment: SHROOM2: BP4, BP7